The following is an entry in ClinVar:

ClinVar aggregate classification (germline): Uncertain significance (1 of 4 stars; one submission).

Conditions:
Alpha thalassemia-X-linked intellectual disability syndrome (ATRX). Also called: ALPHA-THALASSEMIA/MENTAL RETARDATION SYNDROME, X-LINKED; ATR, NONDELETION TYPE; ATR-X syndrome; Alpha thalassemia mental retardation syndrome, nondeletion type, X-linked; XLMR hypotonic face syndrome; X-linked alpha-thalassemia-mental retardation syndrome. Identifiers: Orphanet 847, MedGen C1845055, MONDO:0010519, OMIM 301040.

Submission:

Labcorp Genetics (formerly Invitae), Labcorp
Classification: Uncertain significance for Alpha thalassemia-X-linked intellectual disability syndrome. Last evaluated: 2023-10-05. Review status: criteria provided, single submitter. Criteria: Invitae Variant Classification Sherloc (09022015). Collection method: clinical testing. Allele origin: germline.
Comment: This sequence change replaces aspartic acid, which is acidic and polar, with asparagine, which is neutral and polar, at codon 678 of the ATRX protein (p.Asp678Asn). This variant is not present in population databases (gnomAD no frequency). This variant has not been reported in the literature in individuals affected with ATRX-related conditions. Advanced modeling of protein sequence and biophysical properties (such as structural, functional, and spatial information, amino acid conservation, physicochemical variation, residue mobility, and thermodynamic stability) performed at Invitae indicates that this missense variant is not expected to disrupt ATRX protein function. In summary, the available evidence is currently insufficient to determine the role of this variant in disease. Therefore, it has been classified as a Variant of Uncertain Significance.

NM_000489.6(ATRX):c.2032G>A (p.Asp678Asn)

Gene: ATRX (ATRX chromatin remodeler; minus strand). Cytogenetic location: Xq21.1.
Variant type: single nucleotide variant.
Coding change: c.2032G>A on transcript NM_000489.6 (MANE Select); coding-DNA position 2032, G replaced by A.
Protein change: p.Asp678Asn; replaces aspartic acid 678 with asparagine.
Molecular consequence: missense variant.
Genome position (GRCh38, 1-based): chrX:77,683,224, C>T on the plus strand (G>A on the coding strand, the complement: ATRX is on the minus strand). VCF-style: chrX-77683224-C-T. GRCh37 (hg19) VCF-style: chrX-76938716-C-T.
Other names: c.1918G>A, p.Asp640Asn (NM_138270.5); short protein forms D640N, D678N.
Identifiers: ClinVar variation 2765991 (VCV002765991.3), dbSNP rs2148608639, ClinGen allele CA413714915.